The following is an entry in ClinVar:

NM_012186.3(FOXE3):c.176C>T (p.Pro59Leu)

Genes: FOXE3 (forkhead box E3; plus strand), LINC01389 (long intergenic non-protein coding RNA 1389; minus strand). Cytogenetic location: 1p33.
Variant type: single nucleotide variant.
Coding change: c.176C>T on transcript NM_012186.3 (MANE Select); coding-DNA position 176, C replaced by T.
Protein change: p.Pro59Leu; replaces proline 59 with leucine.
Molecular consequence: missense variant.
Genome position (GRCh38, 1-based): chr1:47,416,491, C>T. VCF-style: chr1-47416491-C-T. GRCh37 (hg19) VCF-style: chr1-47882163-C-T.
Other names: short protein forms P59L.
Identifiers: ClinVar variation 1779762 (VCV001779762.2), dbSNP rs1357183935, ClinGen allele CA340249184.
Genomic context (GRCh38, chr1:47,416,491, plus strand): 5'-GGGAGCCAGAGGAGGCGGCGGCTGGCCGCGGAGAGGCGGCCCCCACGCCCGCGCCCGGCC[C>T]GGGGCGGCGGCGGCGGCGGCCCCTGCAGCGCGGGAAGCCGCCCTACTCGTACATCGCGCT-3'
Protein context (NP_036318.1, residues 49-69): GEAAPTPAPG[Pro59Leu]GRRRRRPLQR

ClinVar aggregate classification (germline): Uncertain significance (1 of 4 stars; one submission).

Conditions:
Cardiovascular phenotype. Identifiers: MedGen CN230736.

Submission:

Ambry Genetics
Classification: Uncertain significance for Cardiovascular phenotype. Last evaluated: 2021-06-23. Review status: criteria provided, single submitter. Criteria: Ambry Variant Classification Scheme 2023. Collection method: clinical testing. Allele origin: germline.
Comment: The p.P59L variant (also known as c.176C>T), located in coding exon 1 of the FOXE3 gene, results from a C to T substitution at nucleotide position 176. The proline at codon 59 is replaced by leucine, an amino acid with similar properties. This amino acid position is conserved. In addition, this alteration is predicted to be tolerated by in silico analysis. Since supporting evidence is limited at this time, the clinical significance of this alteration remains unclear.